The following is an entry in ClinVar:

ClinVar aggregate classification (germline): Uncertain significance (1 of 4 stars; one submission).

Submission:

Labcorp Genetics (formerly Invitae), Labcorp
Classification: Uncertain significance. Last evaluated: 2021-12-20. Review status: criteria provided, single submitter. Criteria: Invitae Variant Classification Sherloc (09022015). Collection method: clinical testing. Allele origin: germline.
Comment: In summary, the available evidence is currently insufficient to determine the role of this variant in disease. Therefore, it has been classified as a Variant of Uncertain Significance. Experimental studies and prediction algorithms are not available or were not evaluated, and the functional significance of this variant is currently unknown. This variant has not been reported in the literature in individuals affected with RNU4ATAC-related conditions. A gross deletion of the genomic region encompassing the full coding sequence of the RNU4ATAC gene has been identified. The current clinical and genetic evidence is not sufficient to establish whether loss-of-function variants in RNU4ATAC cause disease. The boundaries of this event are unknown as they extend beyond the assayed region for this gene and therefore may encompass additional genes.

NC_000002.11:g.(?_121684917)_(122288605_?)del

Genes: CLASP1 (cytoplasmic linker associated protein 1; minus strand), GLI2 (GLI family zinc finger 2; plus strand), RNU4ATAC (RNA, U4atac small nuclear; plus strand), TFCP2L1 (transcription factor CP2 like 1; minus strand). Cytogenetic location: 2q14.2.
Variant type: Deletion.
Identifiers: ClinVar variation 2427795 (VCV002427795.4).